The following is an entry in ClinVar:

NM_001042492.3(NF1):c.4892T>A (p.Leu1631Ter)

Gene: NF1 (neurofibromin 1; plus strand). Cytogenetic location: 17q11.2.
Variant type: single nucleotide variant.
Coding change: c.4892T>A on transcript NM_001042492.3 (MANE Select); coding-DNA position 4892, T replaced by A.
Protein change: p.Leu1631Ter; replaces leucine 1631 with a stop codon.
Molecular consequence: nonsense.
Genome position (GRCh38, 1-based): chr17:31,325,876, T>A. VCF-style: chr17-31325876-T-A. GRCh37 (hg19) VCF-style: chr17-29652894-T-A.
Other names: c.4829T>A, p.Leu1610Ter (NM_000267.4); short protein forms L1631*, L1610*.
Identifiers: ClinVar variation 2618630 (VCV002618630.5), dbSNP rs1555533292, ClinGen allele CA399007043.

ClinVar aggregate classification (germline): Pathogenic. Review status: criteria provided, multiple submitters, no conflicts (2 of 4 stars). 3 submissions from 3 submitters: Pathogenic (3). Last evaluated 2025-03-13.

Conditions:
Neurofibromatosis, type 1 (NF1). Also called: VON RECKLINGHAUSEN DISEASE; NEUROFIBROMATOSIS, TYPE I, SOMATIC; Peripheral type neurofibromatosis; Neurofibromatosis, type I. Identifiers: Orphanet 636, MedGen C0027831, MONDO:0018975, OMIM 162200. Disease mechanism: loss of function.
Hereditary cancer-predisposing syndrome. Also called: Tumor predisposition; Neoplastic Syndromes, Hereditary; Hereditary Cancer Syndrome; Hereditary neoplastic syndrome. Identifiers: Orphanet 140162, MedGen C0027672, MeSH D009386, MONDO:0015356.
Cardiovascular phenotype. Identifiers: MedGen CN230736.

Submissions (3):

Labcorp Genetics (formerly Invitae), Labcorp
Classification: Pathogenic for Neurofibromatosis, type 1. Last evaluated: 2025-03-13. Review status: criteria provided, single submitter. Criteria: Invitae Variant Classification Sherloc (09022015). Collection method: clinical testing. Allele origin: germline.
Comment: This sequence change creates a premature translational stop signal (p.Leu1610*) in the NF1 gene. It is expected to result in an absent or disrupted protein product. Loss-of-function variants in NF1 are known to be pathogenic (PMID: 10712197, 23913538). This variant is not present in population databases (gnomAD no frequency). This premature translational stop signal has been observed in individual(s) with neurofibromatosis, type 1 (PMID: 23656349, 31730495). ClinVar contains an entry for this variant (Variation ID: 2618630). For these reasons, this variant has been classified as Pathogenic.

GeneDx
Classification: Pathogenic. Last evaluated: 2024-03-08. Review status: criteria provided, single submitter. Criteria: GeneDx Variant Classification Process June 2021. Collection method: clinical testing. Allele origin: germline. Affected: yes.
Comment: Nonsense variant predicted to result in protein truncation or nonsense mediated decay in a gene for which loss of function is a known mechanism of disease; Has not been previously published as pathogenic or benign to our knowledge; Not observed at significant frequency in large population cohorts (gnomAD)

Ambry Genetics
Classification: Pathogenic for Cardiovascular phenotype; Hereditary cancer-predisposing syndrome. Last evaluated: 2023-07-18. Review status: criteria provided, single submitter. Criteria: Ambry Variant Classification Scheme 2023. Collection method: clinical testing. Allele origin: germline.
Comment: The c.4829T>A (p.L1610*) alteration, located in exon 36 (coding exon 36) of the NF1 gene, consists of a T to A substitution at nucleotide position 4829. This changes the amino acid from a leucine (L) to a stop codon at amino acid position 1610. This alteration is expected to result in loss of function by premature protein truncation or nonsense-mediated mRNA decay. This variant was not reported in population-based cohorts in the Genome Aggregation Database (gnomAD). Two other alterations resulting in the same nonsense variant at this codon, c.4829T>G (p.L1610*) and c.4829delT (p.L1610*), have been detected in individuals with a clinical diagnosis of neurofibromatosis type 1 (NF1) (Assunto, 2019; Bolcekova, 2013; Nemethova, 2013; van Minkelen, 2014). Based on the available evidence, this alteration is classified as pathogenic.

Literature cited by the submitters: PubMed 10712197 (cited by Labcorp Genetics (formerly Invitae), Labcorp); PubMed 23913538 (cited by Labcorp Genetics (formerly Invitae), Labcorp); PubMed 23656349 (cited by Labcorp Genetics (formerly Invitae), Labcorp); PubMed 31730495 (cited by Labcorp Genetics (formerly Invitae), Labcorp).